The following is an entry in ClinVar:

NM_015275.3(WASHC4):c.995T>C (p.Ile332Thr)

Gene: WASHC4 (WASH complex subunit 4; plus strand). Cytogenetic location: 12q23.3.
Variant type: single nucleotide variant.
Coding change: c.995T>C on transcript NM_015275.3 (MANE Select); coding-DNA position 995, T replaced by C.
Protein change: p.Ile332Thr; replaces isoleucine 332 with threonine.
Molecular consequence: missense variant.
Genome position (GRCh38, 1-based): chr12:105,126,319, T>C. VCF-style: chr12-105126319-T-C. GRCh37 (hg19) VCF-style: chr12-105520097-T-C.
Other names: c.995T>C, p.Ile332Thr (NM_001293640.2); short protein forms I332T.
Identifiers: ClinVar variation 235436 (VCV000235436.3), dbSNP rs199927759, ClinGen allele CA6758499.

ClinVar aggregate classification (germline): Uncertain significance (1 of 4 stars; one submission).

Allele frequency attached by ClinVar (database versions not stated): 1000 Genomes Project 0.00040; 1000 Genomes Project 30x 0.00047; gnomAD 0.00088 and 0.00091; TOPMed 0.00096; gnomAD exomes 0.00121 and 0.00193; ExAC 0.00145; ESP Exome Variant Server 0.00154.
gnomAD v4.1: 2,884 of 1,602,134 alleles (0.18%); highest among the groups gnomAD compares: Non-Finnish European, 0.23%; 8 homozygotes.

Submission:

Center for Pediatric Genomic Medicine, Children's Mercy Hospital and Clinics
Classification: Uncertain significance. Last evaluated: 2016-04-21. Review status: criteria provided, single submitter. Criteria: ACMG Guidelines, 2015. Collection method: clinical testing. Allele origin: germline.
ClinVar note: Converted during submission from Uncertain Significance to Uncertain significance.